The following is an entry in ClinVar:

NM_001122681.2(SH3BP2):c.*1656T>C

Genes: SH3BP2 (SH3 domain binding protein 2; plus strand), LOC129992073 (ATAC-STARR-seq lymphoblastoid active region 21193; plus strand). Cytogenetic location: 4p16.3.
Variant type: single nucleotide variant.
Coding change: c.*1656T>C on transcript NM_001122681.2 (MANE Select); 1656 bases downstream of the stop codon, T replaced by C.
Molecular consequence: 3 prime UTR variant.
Genome position (GRCh38, 1-based): chr4:2,835,490, T>C. VCF-style: chr4-2835490-T-C. GRCh37 (hg19) VCF-style: chr4-2837217-T-C.
Other names: c.*1656T>C (LRG_1334t2, LRG_1334t1, NM_001145855.2 and 2 more transcripts).
Identifiers: ClinVar variation 348619 (VCV000348619.6), dbSNP rs146752554, ClinGen allele CA10620902.

ClinVar aggregate classification (germline): Benign. Review status: criteria provided, multiple submitters, no conflicts (2 of 4 stars). 2 submissions from 2 submitters: Benign (2). Last evaluated 2018-01-13.

Conditions:
Fibrous dysplasia of jaw (CRBM). Also called: Cherubism. Identifiers: Orphanet 184, MedGen C0008029, MONDO:0007315, OMIM 118400.

Allele frequency attached by ClinVar (database versions not stated): 1000 Genomes Project 0.00379; gnomAD 0.00393 and 0.00411; 1000 Genomes Project 30x 0.00422; TOPMed 0.00504.

Submissions (2):

Illumina Laboratory Services, Illumina
Classification: Benign for Fibrous dysplasia of jaw. Last evaluated: 2018-01-13. Review status: criteria provided, single submitter. Criteria: ICSL Variant Classification Criteria 13 December 2019. Collection method: clinical testing. Allele origin: germline.
Comment: This variant was observed in the ICSL laboratory as part of a predisposition screen in an ostensibly healthy population. It had not been previously curated by ICSL or reported in the Human Gene Mutation Database (HGMD: prior to June 1st, 2018), and was therefore a candidate for classification through an automated scoring system. Utilizing variant allele frequency, disease prevalence and penetrance estimates, and inheritance mode, an automated score was calculated to assess if this variant is too frequent to cause the disease. Based on the score and internal cut-off values, a variant classified as benign is not then subjected to further curation. The score for this variant resulted in a classification of benign for this disease.

Breakthrough Genomics
Classification: Benign. Review status: criteria provided, single submitter. Criteria: ACMG Guidelines, 2015. Collection method: not provided. Allele origin: germline. Inheritance: Autosomal dominant inheritance. Affected: yes.